The following is an entry in ClinVar:

NM_005629.4(SLC6A8):c.1495+5G>C

Gene: SLC6A8 (solute carrier family 6 member 8; plus strand). Cytogenetic location: Xq28.
Variant type: single nucleotide variant.
Coding change: c.1495+5G>C on transcript NM_005629.4 (MANE Select); 5 bases into the intron after coding-DNA position 1495, G replaced by C.
Molecular consequence: intron variant.
Genome position (GRCh38, 1-based): chrX:153,694,451, G>C. VCF-style: chrX-153694451-G-C. GRCh37 (hg19) VCF-style: chrX-152959906-G-C.
Other names: NM_001142805.2:c.1465+5G>C; c.1465+5G>C (NM_001142805.2); c.1150+5G>C (NM_001142806.1).
Identifiers: ClinVar variation 2683734 (VCV002683734.1), dbSNP rs2522167787, ClinGen allele CA2580610964.

ClinVar aggregate classification (germline): Pathogenic (3 of 4 stars; one submission).

Conditions:
Creatine transporter deficiency (CCDS1). Also called: CEREBRAL CREATINE DEFICIENCY SYNDROME 1; Mental retardation , X-linked with seizures, short stature and midface hypoplasia; Mental retardation , X-linked, with creatine transport deficiency; X-linked creatine transporter deficiency; X-linked creatine deficiency syndrome; SLC6A8-Related Creatine Transporter Deficiency. Identifiers: Orphanet 52503, MedGen C1845862, MONDO:0010305, OMIM 300352.

Submission:

ClinGen Cerebral Creatine Deficiency Syndromes Variant Curation Expert Panel, ClinGen
Classification: Pathogenic for Creatine transporter deficiency. Last evaluated: 2023-12-14. Review status: reviewed by expert panel. Criteria: ClinGen_CCDS_ACMG_Specifications_SLC6A8_v1.1. Collection method: curation. Allele origin: germline. Inheritance: X-linked inheritance.
Comment: The NM_005629.4:c.1495+5G>C variant in SLC6A8 is an intronic variant affecting a nucleotide within the consensus donor splice site of intron 10. RT-PCR of mRNA from fibroblasts from affected brothers who are hemizygous for this variant showed exon skipping, which would be predicted to result in a frameshift, premature termination codon and nonsense-mediated decay. However, because the data was not shown in the publication, PVS1 was reduced to Moderate. The variant is absent in gnomAD v4.0. (PM2_Supporting). There is no ClinVar entry for this variant. A variant in the same splice region, c.1495+2T>G, has been classified as pathogenic by the ClinGen CCDS VCEP and is predicted, by SpliceAI, to have a similar impact on splicing. However, as the SpliceAI scores are lower for c.1495+5G>C than c.1495+2T>G, PS1 will not be applied (see PMID: 37352859). In summary, this variant meets criteria to be classified as likely pathogenic for creatine transporter deficiency. SLC6A8-specific criteria applied, as specified by the ClinGen CCDS VCEP (Specifications Version 1.1.0): PVS1_Moderate, PP4_Strong, PS4_Supporting, PP1, PM2_Supporting. (Classification approved by the ClinGen CCDS VCEP on December 14, 2023)